The following is an entry in ClinVar:

ClinVar aggregate classification (germline): Uncertain significance. Review status: criteria provided, multiple submitters, no conflicts (2 of 4 stars). 3 submissions from 3 submitters: Uncertain significance (3). Last evaluated 2026-08-12.

Conditions:
Progressive muscular dystrophy. Identifiers: Orphanet 206644, MedGen C4551827, MONDO:0016106.
Duchenne muscular dystrophy (DMD). Also called: Duchenne Muscular Dystrophy (DMD); MUSCULAR DYSTROPHY, PSEUDOHYPERTROPHIC PROGRESSIVE, DUCHENNE TYPE. Identifiers: Orphanet 98896, MedGen C0013264, MONDO:0010679, OMIM 310200.

Submissions (4):

Broad Center for Mendelian Genomics, Broad Institute of MIT and Harvard
Classification: Uncertain significance for Progressive muscular dystrophy. Last evaluated: 2026-08-12. Review status: criteria provided, single submitter. Criteria: ACMG Guidelines, 2015. Collection method: research. Allele origin: germline. Inheritance: X-linked inheritance. Study: GREGoR Consortium.
Comment: The p.Lys1615= variant in DMD has not been previously reported in the literature in individuals with progressive muscular dystrophy, and was absent from large population studies. This variant has been reported in ClinVar (Variation ID: 500477) and has been interpreted as a variant of uncertain significance by Labcorp Genetics (formerly Invitae) and Eurofins Ntd Llc. Computational prediction tools and conservation analyses suggest that this variant may impact the protein, though this information is not predictive enough to determine pathogenicity. This variant is located in the 5' splice region. Computational tools predict a splicing impact, though this information is not predictive enough to determine/rule out pathogenicity. Three additional pathogenic variants, predicted to induce the same splicing effect as this variant, have been reported in ClinVar as being associated with progressive muscular dystrophy, supporting that the p.Lys1615= may be pathogenic (Variation ID: 290599, 3391814, 439607). In summary, the clinical significance of the p.Lys1615= variant is uncertain. ACMG/AMP Criteria applied: PS1_moderate, PP3, PM2_supporting (Richards 2015).

Labcorp Genetics (formerly Invitae), Labcorp
Classification: Uncertain significance for Duchenne muscular dystrophy. Last evaluated: 2025-03-09. Review status: criteria provided, single submitter. Criteria: Invitae Variant Classification Sherloc (09022015). Collection method: clinical testing. Allele origin: germline.
Comment: This sequence change affects codon 1615 of the DMD mRNA. It is a 'silent' change, meaning that it does not change the encoded amino acid sequence of the DMD protein. This variant also falls at the last nucleotide of exon 34, which is part of the consensus splice site for this exon. This variant is not present in population databases (gnomAD no frequency). This variant has not been reported in the literature in individuals affected with DMD-related conditions. ClinVar contains an entry for this variant (Variation ID: 500477). Variants that disrupt the consensus splice site are a relatively common cause of aberrant splicing (PMID: 17576681, 9536098). Algorithms developed to predict the effect of sequence changes on RNA splicing suggest that this variant may disrupt the consensus splice site. In summary, the available evidence is currently insufficient to determine the role of this variant in disease. Therefore, it has been classified as a Variant of Uncertain Significance.

Eurofins Ntd Llc (ga)
Classification: Uncertain significance. Last evaluated: 2017-02-21. Review status: criteria provided, single submitter. Criteria: EGL Classification Definitions 2015. Collection method: clinical testing. Allele origin: germline. Observed: 1 variant allele, 1 hemizygote.

Dr. Peter K. Rogan Lab, Western University
No classification provided (evidence only). Condition: Nonpapillary renal cell carcinoma. Review status: no classification provided. Collection method: in vitro. Allele origin: not applicable. Functional consequence: retained intron. Not counted in ClinVar's aggregate classification.

Literature cited by the submitters: PubMed 17576681 (cited by Labcorp Genetics (formerly Invitae), Labcorp); PubMed 9536098 (cited by Labcorp Genetics (formerly Invitae), Labcorp).

NM_004006.3(DMD):c.4845G>A (p.Lys1615=)

Gene: DMD (dystrophin; minus strand). Cytogenetic location: Xp21.1.
Variant type: single nucleotide variant.
Coding change: c.4845G>A on transcript NM_004006.3 (MANE Select); coding-DNA position 4845, G replaced by A.
Protein change: p.Lys1615=; no amino-acid change (lysine 1615 retained).
Molecular consequence: synonymous variant.
Genome position (GRCh38, 1-based): chrX:32,380,510, C>T on the plus strand (G>A on the coding strand, the complement: DMD is on the minus strand). VCF-style: chrX-32380510-C-T. GRCh37 (hg19) VCF-style: chrX-32398627-C-T.
Other names: NM_004012.4:c.813G>A; c.4821G>A, p.Lys1607= (NM_000109.4); c.4833G>A, p.Lys1611= (NM_004009.3); c.4476G>A, p.Lys1492= (NM_004010.3); c.822G>A, p.Lys274= (NM_004011.4); c.813G>A, p.Lys271= (NM_004012.4).
Identifiers: ClinVar variation 500477 (VCV000500477.15), dbSNP rs1557315896, ClinGen allele CA515714807.